The following is an entry in ClinVar:

ClinVar aggregate classification (germline): Pathogenic (1 of 4 stars; one submission).

Conditions:
Polycystic kidney disease, adult type (PKD1). Also called: Polycystic Kidney, Autosomal Dominant; POLYCYSTIC KIDNEY DISEASE, ADULT, TYPE I; Polycystic Kidney Disease 1, Autosomal Dominant; Polycystic kidney disease 1; Polycystic kidney disease 1, severe; POLYCYSTIC KIDNEY DISEASE 1 WITH OR WITHOUT POLYCYSTIC LIVER DISEASE. Identifiers: MedGen C3149841, MONDO:0008263, OMIM 173900.

Submission:

Victorian Clinical Genetics Services, Murdoch Childrens Research Institute
Classification: Pathogenic for Polycystic kidney disease, adult type. Last evaluated: 2025-07-11. Review status: criteria provided, single submitter. Criteria: ACMG Guidelines, 2015. Collection method: clinical testing. Allele origin: germline. Affected: yes.
Comment: This variant is classified as Pathogenic. Evidence in support of pathogenic classification: Variant is predicted to cause nonsense-mediated decay (NMD) and loss of protein (premature termination codon is located at least 54 nucleotides upstream of the final exon-exon junction); Variant is absent from gnomAD (v2, v3 and v4); Other NMD-predicted variants comparable to the one identified in this case have very strong previous evidence for pathogenicity (DECIPHER). Additional information: This variant is heterozygous; This gene is associated with autosomal dominant disease. Polycystic kidney disease 1 (MIM#173900) is predominantly caused by monoallelic variants, with rare reports of biallelic variants causing disease (OMIM); This variant has no previous evidence of pathogenicity; No published evidence of segregation with disease has been identified for this variant; No published functional evidence has been identified for this variant; Loss of function is a known mechanism of disease in this gene and is associated with polycystic kidney disease 1 (MIM#173900); Inheritance information for this variant is not currently available in this individual.

NM_001009944.3(PKD1):c.12107_12108dup (p.Gly4037fs)

Gene: PKD1 (polycystin 1, transient receptor potential channel interacting; minus strand). Cytogenetic location: 16p13.3.
Variant type: Duplication.
Coding change: c.12107_12108dup on transcript NM_001009944.3 (MANE Select); coding-DNA positions 12107 to 12108, 2 bases duplicated (TC; older notation c.12107_12108dupTC).
Protein change: p.Gly4037fs; shifts the reading frame from glycine 4037.
Molecular consequence: frameshift variant.
Genome position (GRCh38, 1-based): chr16:2,090,704-2,090,705, GA duplicated on the plus strand (TC on the coding strand, the reverse complement: PKD1 is on the minus strand); duplicating any 2 consecutive bases within chr16:2,090,704-2,090,706 gives the same sequence; the c. name uses the placement nearest the transcript's 3' end. VCF-style (leftmost placement, unchanged base first): chr16-2090703-C-CGA. GRCh37 (hg19) VCF-style: chr16-2140704-C-CGA.
Other names: c.12104_12105dup, p.Gly4036fs (NM_000296.4); short protein forms G4036fs, G4037fs.
Identifiers: ClinVar variation 4531532 (VCV004531532.1).